The following is an entry in ClinVar:

ClinVar aggregate classification (germline): Uncertain significance. Review status: criteria provided, multiple submitters, no conflicts (2 of 4 stars). 2 submissions from 2 submitters: Uncertain significance (2). Last evaluated 2025-06-11.

Conditions:
Cardiovascular phenotype. Identifiers: MedGen CN230736.
Long QT syndrome (LQTS). Identifiers: MedGen C0023976, MeSH D008133, MONDO:0002442. Disease mechanism: loss of function. Inheritance: Various modes of inheritance.

Allele frequency attached by ClinVar (database versions not stated): ExAC 0.00002; TOPMed 0.00002; gnomAD 0.00003.
gnomAD v4.1: 6 of 1,609,414 alleles (0.00037%); highest among the groups gnomAD compares: African/African-American, 0.0013%; no homozygotes.

Submissions (2):

Ambry Genetics
Classification: Uncertain significance for Cardiovascular phenotype. Last evaluated: 2025-06-11. Review status: criteria provided, single submitter. Criteria: Ambry Variant Classification Scheme 2023. Collection method: clinical testing. Allele origin: germline.

Labcorp Genetics (formerly Invitae), Labcorp
Classification: Uncertain significance for Long QT syndrome. Last evaluated: 2023-10-08. Review status: criteria provided, single submitter. Criteria: Invitae Variant Classification Sherloc (09022015). Collection method: clinical testing. Allele origin: germline.
Comment: This sequence change replaces leucine, which is neutral and non-polar, with phenylalanine, which is neutral and non-polar, at codon 2871 of the AKAP9 protein (p.Leu2871Phe). This variant is present in population databases (rs780211536, gnomAD 0.004%). This variant has not been reported in the literature in individuals affected with AKAP9-related conditions. ClinVar contains an entry for this variant (Variation ID: 518609). An algorithm developed to predict the effect of missense changes on protein structure and function (PolyPhen-2) suggests that this variant is likely to be disruptive. In summary, the available evidence is currently insufficient to determine the role of this variant in disease. Therefore, it has been classified as a Variant of Uncertain Significance.

NM_005751.5(AKAP9):c.8613G>C (p.Leu2871Phe)

Gene: AKAP9 (A-kinase anchoring protein 9; plus strand). Cytogenetic location: 7q21.2.
Variant type: single nucleotide variant.
Coding change: c.8613G>C on transcript NM_005751.5 (MANE Select); coding-DNA position 8613, G replaced by C.
Protein change: p.Leu2871Phe; replaces leucine 2871 with phenylalanine.
Molecular consequence: missense variant.
Genome position (GRCh38, 1-based): chr7:92,083,622, G>C. VCF-style: chr7-92083622-G-C. GRCh37 (hg19) VCF-style: chr7-91712936-G-C.
Other names: c.3258G>C, p.Leu1086Phe (NM_001379277.1); c.8589G>C, p.Leu2863Phe (NM_147185.3); short protein forms L2871F, L2863F, L1086F.
Identifiers: ClinVar variation 518609 (VCV000518609.10), dbSNP rs780211536, ClinGen allele CA4337507.
Genomic context (GRCh38, chr7:92,083,622, plus strand): 5'-AACCTTAAAGAGGGAACACTATGTTGCCGTTCAGTTACTGAAAGAGGAATGTGGTACCTT[G>C]AAGGCAGTGATACAGTGTCTGAGAAGTAAAGAGGTATTTGGTTTTTATAATATGTGTTTT-3'
Protein context (NP_005742.4, residues 2861-2881): VQLLKEECGT[Leu2871Phe]KAVIQCLRSK